The following is an entry in ClinVar:

ClinVar aggregate classification (germline): Pathogenic (1 of 4 stars; one submission).

Submission:

Labcorp Genetics (formerly Invitae), Labcorp
Classification: Pathogenic. Last evaluated: 2025-09-23. Review status: criteria provided, single submitter. Criteria: Invitae Variant Classification Sherloc (09022015). Collection method: clinical testing. Allele origin: germline.
Comment: This sequence change creates a premature translational stop signal (p.Arg37*) in the LTBP4 gene. It is expected to result in an absent or disrupted protein product. Loss-of-function variants in LTBP4 are known to be pathogenic (PMID: 19836010, 22829427). This variant is not present in population databases (gnomAD no frequency). This variant has not been reported in the literature in individuals affected with LTBP4-related conditions. For these reasons, this variant has been classified as Pathogenic.

Literature cited by the submitters: PubMed 19836010; PubMed 22829427.

NM_003573.2(LTBP4):c.109C>T (p.Arg37Ter)

Gene: LTBP4 (latent transforming growth factor beta binding protein 4; plus strand). Cytogenetic location: 19q13.2.
Variant type: single nucleotide variant.
Coding change: c.109C>T on transcript NM_003573.2; coding-DNA position 109, C replaced by T.
Protein change: p.Arg37Ter; replaces arginine 37 with a stop codon.
Molecular consequence: nonsense.
Genome position (GRCh38, 1-based): chr19:40,599,435, C>T. VCF-style: chr19-40599435-C-T. GRCh37 (hg19) VCF-style: chr19-41105341-C-T.
Other names: c.220C>T, p.Arg74Ter (NM_001042544.1); short protein forms R37*, R74*.
Identifiers: ClinVar variation 4761818 (VCV004761818.1).